The following is an entry in ClinVar:

ClinVar aggregate classification (germline): Uncertain significance (1 of 4 stars; one submission).

Conditions:
Dyskeratosis congenita, autosomal dominant 2. Identifiers: MedGen C3151443, MONDO:0013521, OMIM 613989.
Idiopathic Pulmonary Fibrosis. Also called: Idiopathic fibrosing alveolitis, chronic form; idiopathic fibrosing alveolitis. Identifiers: Orphanet 2032, MedGen C1800706, MeSH D054990, MONDO:0800504.

Allele frequency attached by ClinVar (database versions not stated): TOPMed below 0.00001.
gnomAD v4.1: 1 of 1,556,302 alleles (0.000064%); highest among the groups gnomAD compares: Non-Finnish European, 0.000087%; no homozygotes.

Submission:

Labcorp Genetics (formerly Invitae), Labcorp
Classification: Uncertain significance for Dyskeratosis congenita, autosomal dominant 2; Idiopathic Pulmonary Fibrosis. Last evaluated: 2020-11-05. Review status: criteria provided, single submitter. Criteria: Invitae Variant Classification Sherloc (09022015). Collection method: clinical testing. Allele origin: germline.
Comment: This variant has not been reported in the literature in individuals with TERT-related conditions. This variant is not present in population databases (ExAC no frequency). This sequence change replaces proline with arginine at codon 307 of the TERT protein (p.Pro307Arg). The proline residue is weakly conserved and there is a moderate physicochemical difference between proline and arginine. Advanced modeling of protein sequence and biophysical properties (such as structural, functional, and spatial information, amino acid conservation, physicochemical variation, residue mobility, and thermodynamic stability) performed at Invitae indicates that this missense variant is not expected to disrupt TERT protein function. In summary, the available evidence is currently insufficient to determine the role of this variant in disease. Therefore, it has been classified as a Variant of Uncertain Significance.

NM_198253.3(TERT):c.920C>G (p.Pro307Arg)

Gene: TERT (telomerase reverse transcriptase; minus strand). Cytogenetic location: 5p15.33.
Variant type: single nucleotide variant.
Coding change: c.920C>G on transcript NM_198253.3 (MANE Select); coding-DNA position 920, C replaced by G.
Protein change: p.Pro307Arg; replaces proline 307 with arginine.
Molecular consequence: missense variant. On other transcripts: non-coding transcript variant (2).
Genome position (GRCh38, 1-based): chr5:1,293,966, G>C on the plus strand (C>G on the coding strand, the complement: TERT is on the minus strand). VCF-style: chr5-1293966-G-C. GRCh37 (hg19) VCF-style: chr5-1294081-G-C.
Other names: c.920C>G, p.Pro307Arg (NM_001193376.3); short protein forms P307R.
Identifiers: ClinVar variation 1522517 (VCV001522517.8), dbSNP rs1751184986, ClinGen allele CA359056147.